The following is an entry in ClinVar:

ClinVar aggregate classification (germline): Benign. Review status: criteria provided, multiple submitters, no conflicts (2 of 4 stars). 5 submissions from 5 submitters: Benign (4). 1 of the submissions does not count toward it. Last evaluated 2026-02-04.

Conditions:
SCLT1-related disorder. Also called: SCLT1-related condition.

Allele frequency attached by ClinVar (database versions not stated): TOPMed 0.00912; 1000 Genomes Project 30x 0.00999; ESP Exome Variant Server 0.01015; gnomAD 0.01030 and 0.01105; 1000 Genomes Project 0.01098; gnomAD exomes 0.01456 and 0.01476; ExAC 0.01693.
gnomAD v4.1: 22,949 of 1,606,940 alleles (1.4%); highest among the groups gnomAD compares: South Asian, 3.3%; 233 homozygotes.

Submissions (5):

Labcorp Genetics (formerly Invitae), Labcorp
Classification: Benign. Last evaluated: 2026-02-04. Review status: criteria provided, single submitter. Criteria: Invitae Variant Classification Sherloc (09022015). Collection method: clinical testing. Allele origin: germline.

Blueprint Genetics
Classification: Benign. Last evaluated: 2024-11-26. Review status: criteria provided, single submitter. Criteria: ACMG Guidelines, 2015. Collection method: clinical testing. Allele origin: germline.

Mayo Clinic Laboratories, Mayo Clinic
Classification: Benign. Last evaluated: 2023-12-14. Review status: criteria provided, single submitter. Criteria: ACMG Guidelines, 2015. Collection method: clinical testing. Allele origin: germline. Observed: 3 variant alleles.
Comment: BS1, BS2, BP4, BP7

Breakthrough Genomics
Classification: Benign. Review status: criteria provided, single submitter. Criteria: ACMG Guidelines, 2015. Collection method: not provided. Allele origin: germline. Inheritance: Unknown mechanism. Affected: yes.

PreventionGenetics, part of Exact Sciences
Classification: Benign for SCLT1-related condition. Last evaluated: 2019-11-19. Review status: no assertion criteria provided. Collection method: clinical testing. Allele origin: germline. Not counted in ClinVar's aggregate classification.
Comment: This variant is classified as benign based on ACMG/AMP sequence variant interpretation guidelines (Richards et al. 2015 PMID: 25741868, with internal and published modifications).

NM_144643.4(SCLT1):c.1704C>T (p.Asp568=)

Gene: SCLT1 (sodium channel and clathrin linker 1; minus strand). Cytogenetic location: 4q28.2.
Variant type: single nucleotide variant.
Coding change: c.1704C>T on transcript NM_144643.4 (MANE Select); coding-DNA position 1704, C replaced by T.
Protein change: p.Asp568=; no amino-acid change (aspartic acid 568 retained).
Molecular consequence: synonymous variant.
Genome position (GRCh38, 1-based): chr4:128,936,780, G>A on the plus strand (C>T on the coding strand, the complement: SCLT1 is on the minus strand). VCF-style: chr4-128936780-G-A. GRCh37 (hg19) VCF-style: chr4-129857935-G-A.
Other names: p.Asp568=; c.1704C>T (NM_144643.3).
Identifiers: ClinVar variation 1165524 (VCV001165524.14), dbSNP rs116133992, ClinGen allele CA3079536.